The following is an entry in ClinVar:

ClinVar aggregate classification (germline): Likely benign. Review status: criteria provided, multiple submitters, no conflicts (2 of 4 stars). 4 submissions from 4 submitters: Likely benign (4). Last evaluated 2026-01-29.

Conditions:
ALG1-congenital disorder of glycosylation. Also called: ALG1-CDG; CDG Ik; CONGENITAL DISORDER OF GLYCOSYLATION, TYPE Ik. Identifiers: Orphanet 79327, MedGen C2931005, MONDO:0012052, OMIM 608540.
ALG1-related disorder. Also called: ALG1-related condition.

Allele frequency attached by ClinVar (database versions not stated): ExAC 0.00028; 1000 Genomes Project 0.00120.

Submissions (4):

PreventionGenetics, part of Exact Sciences
Classification: Likely benign for ALG1-related condition. Last evaluated: 2026-01-29. Review status: criteria provided, single submitter. Criteria: ACMG Guidelines, 2015. Collection method: clinical testing. Allele origin: germline.
Comment: This variant is classified as likely benign based on ACMG/AMP sequence variant interpretation guidelines (Richards et al. 2015 PMID: 25741868, with internal and published modifications).

Labcorp Genetics (formerly Invitae), Labcorp
Classification: Likely benign for ALG1-congenital disorder of glycosylation. Last evaluated: 2026-01-11. Review status: criteria provided, single submitter. Criteria: Invitae Variant Classification Sherloc (09022015). Collection method: clinical testing. Allele origin: germline.

CeGaT Center for Human Genetics Tuebingen
Classification: Likely benign. Last evaluated: 2025-10-01. Review status: criteria provided, single submitter. Criteria: CeGaT Center For Human Genetics Tuebingen Variant Classification Criteria Version 2. Collection method: clinical testing. Allele origin: germline. Affected: yes. Observed: 2 variant alleles.
Comment: ALG1: BP4, BP7

ARUP Laboratories, Molecular Genetics and Genomics, ARUP Laboratories
Classification: Likely benign for ALG1-congenital disorder of glycosylation. Last evaluated: 2025-01-22. Review status: criteria provided, single submitter. Criteria: ARUP Molecular Germline Variant Investigation Process 2024. Collection method: clinical testing. Allele origin: germline.

NM_019109.5(ALG1):c.1332G>A (p.Ser444=)

Genes: ALG1 (ALG1 chitobiosyldiphosphodolichol beta-mannosyltransferase; plus strand), EEF2KMT (eukaryotic elongation factor 2 lysine methyltransferase; minus strand). Cytogenetic location: 16p13.3.
Variant type: single nucleotide variant.
Coding change: c.1332G>A on transcript NM_019109.5 (MANE Select); coding-DNA position 1332, G replaced by A.
Protein change: p.Ser444=; no amino-acid change (serine 444 retained).
Molecular consequence: synonymous variant. On other transcripts: 3 prime UTR variant (3).
Genome position (GRCh38, 1-based): chr16:5,084,818, G>A. VCF-style: chr16-5084818-G-A. GRCh37 (hg19) VCF-style: chr16-5134819-G-A.
Other names: c.1332G>A (NM_019109.4); c.*814C>T (NM_001289029.2, NM_201400.4, NM_201598.4); c.999G>A, p.Ser333= (NM_001330504.2).
Identifiers: ClinVar variation 1636169 (VCV001636169.34), dbSNP rs554183734, ClinGen allele CA7890340.
Genomic context (GRCh38, chr16:5,084,818, plus strand): 5'-CTCAAACTTTCCTGATCCTGCGGGCAAGCTAAACCAGTTCCGGAAGAACCTGCGGGAGTC[G>A]CAGCAGCTCCGATGGGATGAGAGCTGGGTGCAGACTGTGCTCCCTTTGGTTATGGACACA-3'
Protein context (NP_061982.3, residues 434-454): LNQFRKNLRE[Ser444=]QQLRWDESWV